The following is an entry in ClinVar:

NM_033109.5(PNPT1):c.1551C>T (p.Thr517=)

Gene: PNPT1 (polyribonucleotide nucleotidyltransferase 1; minus strand). Cytogenetic location: 2p16.1.
Variant type: single nucleotide variant.
Coding change: c.1551C>T on transcript NM_033109.5 (MANE Select); coding-DNA position 1551, C replaced by T.
Protein change: p.Thr517=; no amino-acid change (threonine 517 retained).
Molecular consequence: synonymous variant.
Genome position (GRCh38, 1-based): chr2:55,647,398, G>A on the plus strand (C>T on the coding strand, the complement: PNPT1 is on the minus strand). VCF-style: chr2-55647398-G-A. GRCh37 (hg19) VCF-style: chr2-55874533-G-A.
Other names: c.1551C>T (NM_033109.4).
Identifiers: ClinVar variation 2184978 (VCV002184978.5), dbSNP rs200631538, ClinGen allele CA1668034.

ClinVar aggregate classification (germline): Likely benign. Review status: criteria provided, single submitter (1 of 4 stars). 2 submissions from 2 submitters: Likely benign (1). 1 of the submissions does not count toward it. Last evaluated 2025-12-19.

Conditions:
PNPT1-related disorder. Also called: PNPT1-related condition; PNPT1-related disorders.

Allele frequency attached by ClinVar (database versions not stated): TOPMed 0.00002; ExAC 0.00007; gnomAD exomes 0.00007; ESP Exome Variant Server 0.00008; gnomAD 0.00009; 1000 Genomes Project 30x 0.00016; 1000 Genomes Project 0.00020.
gnomAD v4.1: 112 of 1,609,218 alleles (0.007%); highest among the groups gnomAD compares: African/African-American, 0.008%; no homozygotes.

Submissions (2):

Labcorp Genetics (formerly Invitae), Labcorp
Classification: Likely benign. Last evaluated: 2025-12-19. Review status: criteria provided, single submitter. Criteria: Invitae Variant Classification Sherloc (09022015). Collection method: clinical testing. Allele origin: germline.

PreventionGenetics, part of Exact Sciences
Classification: Likely benign for PNPT1-related condition. Last evaluated: 2024-09-20. Review status: no assertion criteria provided. Collection method: clinical testing. Allele origin: germline. Not counted in ClinVar's aggregate classification.
Comment: This variant is classified as likely benign based on ACMG/AMP sequence variant interpretation guidelines (Richards et al. 2015 PMID: 25741868, with internal and published modifications).